The following is an entry in ClinVar:

NM_001035.3(RYR2):c.4723C>T (p.His1575Tyr)

Gene: RYR2 (ryanodine receptor 2; plus strand). Cytogenetic location: 1q43.
Variant type: single nucleotide variant.
Coding change: c.4723C>T on transcript NM_001035.3 (MANE Select); coding-DNA position 4723, C replaced by T.
Protein change: p.His1575Tyr; replaces histidine 1575 with tyrosine.
Molecular consequence: missense variant.
Genome position (GRCh38, 1-based): chr1:237,610,801, C>T. VCF-style: chr1-237610801-C-T. GRCh37 (hg19) VCF-style: chr1-237774101-C-T.
Other names: short protein forms H1575Y.
Identifiers: ClinVar variation 43793 (VCV000043793.20), dbSNP rs397516535, ClinGen allele CA009658.

ClinVar aggregate classification (germline): Uncertain significance. Review status: criteria provided, multiple submitters, no conflicts (2 of 4 stars). 5 submissions from 5 submitters: Uncertain significance (5). Last evaluated 2024-10-27.

Conditions:
Cardiomyopathy (CMYO). Also called: Cardiomyopathies. Identifiers: Orphanet 167848, MedGen C0878544, MONDO:0004994, HP:0001638. Inheritance: Various modes of inheritance.
Catecholaminergic polymorphic ventricular tachycardia 1. Also called: VENTRICULAR TACHYCARDIA, CATECHOLAMINERGIC POLYMORPHIC, 1, WITH OR WITHOUT ATRIAL DYSFUNCTION AND/OR DILATED CARDIOMYOPATHY; RYR2-Related Catecholaminergic Polymorphic Ventricular Tachycardia; VENTRICULAR TACHYCARDIA, STRESS-INDUCED POLYMORPHIC 1. Identifiers: Orphanet 3286, MedGen C1631597, MONDO:0011484, OMIM 604772.
Catecholaminergic polymorphic ventricular tachycardia (CVPT). Also called: Catecholamine-induced polymorphic ventricular tachycardia. Identifiers: Orphanet 3286, MedGen C5574922, MONDO:0017990.

Allele frequency attached by ClinVar (database versions not stated): gnomAD exomes below 0.00001; gnomAD 0.00001; TOPMed 0.00001.
gnomAD v4.1: 7 of 1,609,678 alleles (0.00043%); highest among the groups gnomAD compares: Non-Finnish European, 0.00059%; no homozygotes.

Submissions (5):

Labcorp Genetics (formerly Invitae), Labcorp
Classification: Uncertain significance for Catecholaminergic polymorphic ventricular tachycardia 1. Last evaluated: 2024-10-27. Review status: criteria provided, single submitter. Criteria: Invitae Variant Classification Sherloc (09022015). Collection method: clinical testing. Allele origin: germline.
Comment: This sequence change replaces histidine, which is basic and polar, with tyrosine, which is neutral and polar, at codon 1575 of the RYR2 protein (p.His1575Tyr). This variant is not present in population databases (gnomAD no frequency). This variant has not been reported in the literature in individuals affected with RYR2-related conditions. ClinVar contains an entry for this variant (Variation ID: 43793). Invitae Evidence Modeling of protein sequence and biophysical properties (such as structural, functional, and spatial information, amino acid conservation, physicochemical variation, residue mobility, and thermodynamic stability) indicates that this missense variant is not expected to disrupt RYR2 protein function with a negative predictive value of 95%. In summary, the available evidence is currently insufficient to determine the role of this variant in disease. Therefore, it has been classified as a Variant of Uncertain Significance.

Women's Health and Genetics/Laboratory Corporation of America, LabCorp
Classification: Uncertain significance. Last evaluated: 2024-05-06. Review status: criteria provided, single submitter. Criteria: LabCorp Variant Classification Summary - May 2015. Collection method: clinical testing. Allele origin: germline.

Color Diagnostics, LLC DBA Color Health
Classification: Uncertain significance for Cardiomyopathy. Last evaluated: 2024-03-06. Review status: criteria provided, single submitter. Criteria: ACMG Guidelines, 2015. Collection method: clinical testing. Allele origin: germline.
Comment: This missense variant replaces histidine with tyrosine at codon 1575 of the RYR2 protein. Computational prediction is inconclusive regarding the impact of this variant on protein structure and function (internally defined REVEL score threshold 0.5 < inconclusive < 0.7, PMID: 27666373). To our knowledge, functional studies have not been reported for this variant. This variant has not been reported in individuals affected with RYR2-related disorders in the literature. This variant has not been identified in the general population by the Genome Aggregation Database (gnomAD). The available evidence is insufficient to determine the role of this variant in disease conclusively. Therefore, this variant is classified as a Variant of Uncertain Significance.

All of Us Research Program, National Institutes of Health
Classification: Uncertain significance for Catecholaminergic polymorphic ventricular tachycardia. Last evaluated: 2024-02-05. Review status: criteria provided, single submitter. Criteria: ACMG Guidelines, 2015. Collection method: clinical testing. Allele origin: germline. Inheritance: Autosomal dominant inheritance. Observed: 2 variant alleles, 2 heterozygotes.
Comment: This missense variant replaces histidine with tyrosine at codon 1575 of the RYR2 protein. Computational prediction is inconclusive regarding the impact of this variant on protein structure and function (internally defined REVEL score threshold 0.5 < inconclusive < 0.7, PMID: 27666373). To our knowledge, functional studies have not been reported for this variant. This variant has not been reported in individuals affected with cardiovascular disorders in the literature. This variant has not been identified in the general population by the Genome Aggregation Database (gnomAD). The available evidence is insufficient to determine the role of this variant in disease conclusively. Therefore, this variant is classified as a Variant of Uncertain Significance.

This study involves interpretation of variants in research participants for the purpose of population health screening. Participant phenotype was not available at the time of variant classification. Additional details can be found in publication PMID: 35346344, PMCID: PMC8962531

Laboratory for Molecular Medicine, Mass General Brigham Personalized Medicine
Classification: Uncertain significance. Last evaluated: 2011-12-08. Review status: criteria provided, single submitter. Criteria: LMM Criteria. Collection method: clinical testing. Allele origin: germline. Observed: 1 variant allele.
Comment: Histidine (his) at position 1575 is moderately conserved in evolut ion, which does not provide strong evidence for or against pathogenicity. Three computer tools (AlignGVGD, Polyphen2, SIFT) predict this change to be deleteriou s; however, their accuracy is unknown. In the absence of additional information , such a control studies, segregation data, or functional analyses, the clinical significance of this variant cannot be determined at this time.